The following is an entry in ClinVar:

NM_198578.4(LRRK2):c.619A>G (p.Ile207Val)

Gene: LRRK2 (leucine rich repeat kinase 2; plus strand). Cytogenetic location: 12q12.
Variant type: single nucleotide variant.
Coding change: c.619A>G on transcript NM_198578.4 (MANE Select); coding-DNA position 619, A replaced by G.
Protein change: p.Ile207Val; replaces isoleucine 207 with valine.
Molecular consequence: missense variant.
Genome position (GRCh38, 1-based): chr12:40,240,530, A>G. VCF-style: chr12-40240530-A-G. GRCh37 (hg19) VCF-style: chr12-40634332-A-G.
Other names: short protein forms I207V.
Identifiers: ClinVar variation 2567373 (VCV002567373.2), dbSNP rs1428625764, ClinGen allele CA384404680.

ClinVar aggregate classification (germline): Uncertain significance (1 of 4 stars; one submission).

Conditions:
Inborn genetic diseases. Identifiers: MedGen C0950123, MeSH D030342.

Submission:

Ambry Genetics
Classification: Uncertain significance for Inborn genetic diseases. Last evaluated: 2023-04-23. Review status: criteria provided, single submitter. Criteria: Ambry Variant Classification Scheme 2023. Collection method: clinical testing. Allele origin: germline.
Comment: The p.I207V variant (also known as c.619A>G), located in coding exon 6 of the LRRK2 gene, results from an A to G substitution at nucleotide position 619. The isoleucine at codon 207 is replaced by valine, an amino acid with highly similar properties. This amino acid position is conserved. In addition, this alteration is predicted to be tolerated by in silico analysis. Since supporting evidence is limited at this time, the clinical significance of this alteration remains unclear.